The following is an entry in ClinVar:

ClinVar aggregate classification (germline): Pathogenic (1 of 4 stars; one submission).

Conditions:
Isolated anophthalmia-microphthalmia syndrome. Identifiers: Orphanet 2542, MedGen C5679828, MONDO:0016764.

Allele frequency attached by ClinVar (database versions not stated): gnomAD exomes below 0.00001 and 0.00001; gnomAD 0.00001; 1000 Genomes Project 30x 0.00016.
gnomAD v4.1: 12 of 1,611,308 alleles (0.00074%); highest among the groups gnomAD compares: East Asian, 0.0022%; no homozygotes.

Submission:

Medical Genetics Laboratory, West China Hospital, Sichuan University
Classification: Pathogenic for Isolated anophthalmia-microphthalmia syndrome. Review status: criteria provided, single submitter. Criteria: ACMG Guidelines, 2015. Collection method: in vitro. Allele origin: not applicable. Inheritance: Autosomal recessive inheritance.
Comment: In vitro expression showed that both mutations decreased the protein production and impaired the protein tetramer formation.

Literature cited by the submitters: PubMed 28590501.

NM_000693.4(ALDH1A3):c.287G>A (p.Arg96His)

Gene: ALDH1A3 (aldehyde dehydrogenase 1 family member A3; plus strand). Cytogenetic location: 15q26.3.
Variant type: single nucleotide variant.
Coding change: c.287G>A on transcript NM_000693.4 (MANE Select); coding-DNA position 287, G replaced by A.
Protein change: p.Arg96His; replaces arginine 96 with histidine.
Molecular consequence: missense variant.
Genome position (GRCh38, 1-based): chr15:100,887,654, G>A. VCF-style: chr15-100887654-G-A. GRCh37 (hg19) VCF-style: chr15-101427859-G-A.
Other names: c.287G>A, p.Arg96His (NM_001293815.2); short protein forms R96H.
Identifiers: ClinVar variation 978214 (VCV000978214.2), dbSNP rs1470193684, ClinGen allele CA393940866.
Genomic context (GRCh38, chr15:100,887,654, plus strand): 5'-AGGCTGCACAGGTTGCCTTCCAGAGGGGCTCGCCATGGCGCCGGCTGGATGCCCTGAGTC[G>A]TGGGCGGCTGCTGCACCAGCTGGCTGACCTGGTGGAGAGGGACCGCGCCACCTTGGCCGT-3'
Protein context (NP_000684.2, residues 86-106): SPWRRLDALS[Arg96His]GRLLHQLADL